The following is an entry in ClinVar:

NM_001276345.2(TNNT2):c.720-6_720-3del

Gene: TNNT2 (troponin T2, cardiac type; minus strand). Cytogenetic location: 1q32.1.
Variant type: Deletion.
Coding change: c.720-6_720-3del on transcript NM_001276345.2 (MANE Select); 6 bases into the intron before coding-DNA position 720 through 3 bases into the intron before coding-DNA position 720, 4 bases deleted (GTGC; older notation c.720-6_720-3delGTGC).
Molecular consequence: intron variant.
Genome position (GRCh38, 1-based): chr1:201,361,372-201,361,375, GCAC deleted on the plus strand (GTGC on the coding strand, the reverse complement: TNNT2 is on the minus strand); deleting any 4 consecutive bases within chr1:201,361,372-201,361,376 gives the same sequence; the c. name uses the placement nearest the transcript's 3' end. VCF-style (leftmost placement, unchanged base first): chr1-201361371-TGCAC-T. GRCh37 (hg19) VCF-style: chr1-201330499-TGCAC-T.
Other names: c.672-6_672-3del (NM_001001432.3); c.681-6_681-3del (NM_001001431.3); c.690-6_690-3del (NM_001001430.3, NM_001276347.2); c.591-6_591-3del (NM_001276346.2); c.711-6_711-3del (NM_000364.4).
Identifiers: ClinVar variation 915731 (VCV000915731.3), dbSNP rs1658597866, ClinGen allele CA1139655536.

ClinVar aggregate classification (germline): Uncertain significance. Review status: criteria provided, multiple submitters, no conflicts (2 of 4 stars). 2 submissions from 2 submitters: Uncertain significance (2). Last evaluated 2023-11-30.

Conditions:
Cardiomyopathy (CMYO). Also called: Cardiomyopathies. Identifiers: Orphanet 167848, MedGen C0878544, MONDO:0004994, HP:0001638. Inheritance: Various modes of inheritance.

Submissions (2):

All of Us Research Program, National Institutes of Health
Classification: Uncertain significance for Cardiomyopathy. Last evaluated: 2023-11-30. Review status: criteria provided, single submitter. Criteria: ACMG Guidelines, 2015. Collection method: clinical testing. Allele origin: germline. Inheritance: Autosomal dominant inheritance. Observed: 1 variant allele, 1 heterozygote.
Comment: This study involves interpretation of variants in research participants for the purpose of population health screening. Participant phenotype was not available at the time of variant classification. Additional details can be found in publication PMID: 35346344, PMCID: PMC8962531

CHEO Genetics Diagnostic Laboratory, Children's Hospital of Eastern Ontario
Classification: Uncertain significance for Cardiomyopathy. Last evaluated: 2017-11-03. Review status: criteria provided, single submitter. Criteria: ACMG Guidelines, 2015. Collection method: clinical testing. Allele origin: germline.